The following is an entry in ClinVar:

NM_003848.4(SUCLG2):c.324A>C (p.Lys108Asn)

Gene: SUCLG2 (succinate-CoA ligase GDP-forming subunit beta; minus strand). Cytogenetic location: 3p14.1.
Variant type: single nucleotide variant.
Coding change: c.324A>C on transcript NM_003848.4 (MANE Select); coding-DNA position 324, A replaced by C.
Protein change: p.Lys108Asn; replaces lysine 108 with asparagine.
Molecular consequence: missense variant.
Genome position (GRCh38, 1-based): chr3:67,529,089, T>G on the plus strand (A>C on the coding strand, the complement: SUCLG2 is on the minus strand). VCF-style: chr3-67529089-T-G. GRCh37 (hg19) VCF-style: chr3-67579513-T-G.
Other names: c.324A>C, p.Lys108Asn (NM_001177599.2); c.324A>C (NM_001177599.1); short protein forms K108N.
Identifiers: ClinVar variation 1479200 (VCV001479200.9), dbSNP rs1706332864, ClinGen allele CA353554977.

ClinVar aggregate classification (germline): Uncertain significance. Review status: criteria provided, multiple submitters, no conflicts (2 of 4 stars). 2 submissions from 2 submitters: Uncertain significance (2). Last evaluated 2025-03-07.

Allele frequency attached by ClinVar (database versions not stated): gnomAD exomes below 0.00001; TOPMed below 0.00001.
gnomAD v4.1: 1 of 1,610,176 alleles (0.000062%); highest among the groups gnomAD compares: African/African-American, 0.0013%; no homozygotes.

Submissions (2):

Ambry Genetics
Classification: Uncertain significance. Last evaluated: 2025-03-07. Review status: criteria provided, single submitter. Criteria: Ambry Variant Classification Scheme 2023. Collection method: clinical testing. Allele origin: germline.

Labcorp Genetics (formerly Invitae), Labcorp
Classification: Uncertain significance. Last evaluated: 2022-08-19. Review status: criteria provided, single submitter. Criteria: Invitae Variant Classification Sherloc (09022015). Collection method: clinical testing. Allele origin: germline.
Comment: In summary, the available evidence is currently insufficient to determine the role of this variant in disease. Therefore, it has been classified as a Variant of Uncertain Significance. Algorithms developed to predict the effect of missense changes on protein structure and function are either unavailable or do not agree on the potential impact of this missense change (SIFT: "Deleterious"; PolyPhen-2: "Possibly Damaging"; Align-GVGD: "Class C0"). ClinVar contains an entry for this variant (Variation ID: 1479200). This variant has not been reported in the literature in individuals affected with SUCLG2-related conditions. This variant is not present in population databases (gnomAD no frequency). This sequence change replaces lysine, which is basic and polar, with asparagine, which is neutral and polar, at codon 108 of the SUCLG2 protein (p.Lys108Asn).